The following is an entry in ClinVar:

ClinVar aggregate classification (germline): Likely benign (1 of 4 stars; one submission).

Conditions:
MELAS syndrome (MELAS). Also called: Juvenile myopathy, encephalopathy, lactic acidosis, stroke. Identifiers: Orphanet 550, MedGen C0162671, MONDO:0010789, OMIM 540000.

Submission:

Wong Mito Lab, Molecular and Human Genetics, Baylor College of Medicine
Classification: Likely benign for MELAS syndrome. Last evaluated: 2019-07-12. Review status: criteria provided, single submitter. Criteria: Modified ACMG Guidelines (Unpublished). Collection method: clinical testing. Allele origin: germline.
Comment: The NC_012920.1:m.4375C>T variant in MT-TQ gene is interpreted to be a Likely Benign variant based on the modified ACMG guidelines (unpublished). This variant meets the following evidence codes reported in the guidelines: BS2, BP4

Literature cited by the submitters: PubMed 31965079.

NC_012920.1(MT-TQ):m.4375C>T

Gene: MT-TQ (mitochondrially encoded tRNA glutamine; minus strand).
Variant type: single nucleotide variant.
Genome position: chrM-4375-C-T.
Identifiers: ClinVar variation 689897 (VCV000689897.1), dbSNP rs1603219433, ClinGen allele CA913177921.